The following is an entry in ClinVar:

ClinVar aggregate classification (germline): Uncertain significance. Review status: criteria provided, multiple submitters, no conflicts (2 of 4 stars). 2 submissions from 2 submitters: Uncertain significance (2). Last evaluated 2024-09-06.

Conditions:
Congenital glucose-galactose malabsorption (GGM). Also called: MONOSACCHARIDE MALABSORPTION; DIARRHEA 16. Identifiers: Orphanet 35710, MedGen C0268186, MONDO:0011731, OMIM 606824.

Allele frequency attached by ClinVar (database versions not stated): gnomAD exomes 0.00003 and 0.00010; TOPMed 0.00003; gnomAD 0.00004; ExAC 0.00005; ESP Exome Variant Server 0.00008.
gnomAD v4.1: 148 of 1,614,170 alleles (0.0092%); highest among the groups gnomAD compares: Non-Finnish European, 0.012%; no homozygotes.

Submissions (2):

Labcorp Genetics (formerly Invitae), Labcorp
Classification: Uncertain significance for Congenital glucose-galactose malabsorption. Last evaluated: 2024-09-06. Review status: criteria provided, single submitter. Criteria: Invitae Variant Classification Sherloc (09022015). Collection method: clinical testing. Allele origin: germline.
Comment: This sequence change replaces asparagine, which is neutral and polar, with aspartic acid, which is acidic and polar, at codon 565 of the SLC5A1 protein (p.Asn565Asp). This variant is present in population databases (rs33948878, gnomAD 0.007%). This variant has not been reported in the literature in individuals affected with SLC5A1-related conditions. ClinVar contains an entry for this variant (Variation ID: 1362674). An algorithm developed to predict the effect of missense changes on protein structure and function (PolyPhen-2) suggests that this variant¬†is likely to be tolerated. In summary, the available evidence is currently insufficient to determine the role of this variant in disease. Therefore, it has been classified as a Variant of Uncertain Significance.

Fulgent Genetics
Classification: Uncertain significance for Congenital glucose-galactose malabsorption. Last evaluated: 2022-02-05. Review status: criteria provided, single submitter. Criteria: ACMG Guidelines, 2015. Collection method: clinical testing. Allele origin: unknown.

NM_000343.4(SLC5A1):c.1693A>G (p.Asn565Asp)

Gene: SLC5A1 (solute carrier family 5 member 1; plus strand). Cytogenetic location: 22q12.3.
Variant type: single nucleotide variant.
Coding change: c.1693A>G on transcript NM_000343.4 (MANE Select); coding-DNA position 1693, A replaced by G.
Protein change: p.Asn565Asp; replaces asparagine 565 with aspartic acid.
Molecular consequence: missense variant.
Genome position (GRCh38, 1-based): chr22:32,104,813, A>G. VCF-style: chr22-32104813-A-G. GRCh37 (hg19) VCF-style: chr22-32500800-A-G.
Other names: c.1312A>G, p.Asn438Asp (NM_001256314.2); short protein forms N438D, N565D.
Identifiers: ClinVar variation 1362674 (VCV001362674.7), dbSNP rs33948878, ClinGen allele CA10198298.